The following is an entry in ClinVar:

NM_015910.7(WDPCP):c.467T>G (p.Val156Gly)

Gene: WDPCP (WD repeat containing planar cell polarity effector; minus strand). Cytogenetic location: 2p15.
Variant type: single nucleotide variant.
Coding change: c.467T>G on transcript NM_015910.7 (MANE Select); coding-DNA position 467, T replaced by G.
Protein change: p.Val156Gly; replaces valine 156 with glycine.
Molecular consequence: missense variant. On other transcripts: non-coding transcript variant (2).
Genome position (GRCh38, 1-based): chr2:63,439,789, A>C on the plus strand (T>G on the coding strand, the complement: WDPCP is on the minus strand). VCF-style: chr2-63439789-A-C. GRCh37 (hg19) VCF-style: chr2-63666923-A-C.
Other names: c.395T>G, p.Val132Gly (NM_001354044.2); c.467T>G, p.Val156Gly (NM_001354045.2); short protein forms V132G, V156G.
Identifiers: ClinVar variation 2414251 (VCV002414251.4), dbSNP rs1697381546, ClinGen allele CA347064054.
Genomic context (GRCh38, chr2:63,439,789, plus strand): 5'-CAATTGATTTGCACATGGGGGTAATTACCATCACTGATGGTGTCTGAGATGAGCTTCCCC[A>C]CCAGGCTTCTGTCAATCACCACTTTCTCCAGCTGCGGCCCAGAAAGGCTTAGAGACACCA-3'
Protein context (NP_056994.3, residues 146-166): LEKVVIDRSL[Val156Gly]GKLISDTISD

ClinVar aggregate classification (germline): Uncertain significance. Review status: criteria provided, multiple submitters, no conflicts (2 of 4 stars). 2 submissions from 2 submitters: Uncertain significance (2). Last evaluated 2024-06-03.

Conditions:
Bardet-Biedl syndrome 15 (BBS15). Identifiers: Orphanet 110, MedGen C3150127, MONDO:0014443, OMIM 615992.
Heart defect - tongue hamartoma - polysyndactyly syndrome. Also called: Congenital heart defects, hamartomas of tongue, and polysyndactyly. Identifiers: Orphanet 1338, MedGen C1857587, MONDO:0009008, OMIM 217085.
Bardet-Biedl syndrome (BBS). Identifiers: Orphanet 110, MedGen C0752166, MONDO:0015229.

Allele frequency attached by ClinVar (database versions not stated): TOPMed below 0.00001.
gnomAD v4.1: 1 of 1,613,220 alleles (0.000062%); highest among the groups gnomAD compares: Non-Finnish European, 0.000085%; no homozygotes.

Submissions (2):

Fulgent Genetics
Classification: Uncertain significance for Heart defect - tongue hamartoma - polysyndactyly syndrome; Bardet-Biedl syndrome 15. Last evaluated: 2024-06-03. Review status: criteria provided, single submitter. Criteria: ACMG Guidelines, 2015. Collection method: clinical testing. Allele origin: germline.

Labcorp Genetics (formerly Invitae), Labcorp
Classification: Uncertain significance for Bardet-Biedl syndrome. Last evaluated: 2021-12-02. Review status: criteria provided, single submitter. Criteria: Invitae Variant Classification Sherloc (09022015). Collection method: clinical testing. Allele origin: germline.
Comment: This sequence change replaces valine, which is neutral and non-polar, with glycine, which is neutral and non-polar, at codon 156 of the WDPCP protein (p.Val156Gly). This variant is not present in population databases (gnomAD no frequency). This variant has not been reported in the literature in individuals affected with WDPCP-related conditions. Algorithms developed to predict the effect of missense changes on protein structure and function (SIFT, PolyPhen-2, Align-GVGD) all suggest that this variant is likely to be disruptive. In summary, the available evidence is currently insufficient to determine the role of this variant in disease. Therefore, it has been classified as a Variant of Uncertain Significance.